The following is an entry in ClinVar:

ClinVar aggregate classification (germline): Pathogenic/Likely pathogenic. Review status: criteria provided, multiple submitters, no conflicts (2 of 4 stars). 3 submissions from 3 submitters: Pathogenic (1); Likely pathogenic (2). Last evaluated 2025-06-24.

Conditions:
TBR1-related disorder. Also called: TBR1-related condition.

Submissions (3):

GeneDx
Classification: Pathogenic. Last evaluated: 2025-06-24. Review status: criteria provided, single submitter. Criteria: GeneDx Variant Classification Process June 2021. Collection method: clinical testing. Allele origin: germline. Affected: yes.
Comment: Canonical splice site variant predicted to result in a null allele in a gene for which loss of function is a known mechanism of disease; Not observed at significant frequency in large population cohorts (gnomAD); Has not been previously published as pathogenic or benign to our knowledge

Blueprint Genetics
Classification: Likely pathogenic for TBR1-related disorders. Last evaluated: 2023-06-27. Review status: criteria provided, single submitter. Criteria: ACMG Guidelines, 2015. Collection method: clinical testing. Allele origin: germline. Affected: yes. Observed: 1 variant allele.

Institute of Medical Genetics and Applied Genomics, University Hospital Tübingen
Classification: Likely pathogenic. Last evaluated: 2020-10-23. Review status: criteria provided, single submitter. Criteria: ACMG Guidelines, 2015. Collection method: clinical testing. Allele origin: germline. Inheritance: Autosomal dominant inheritance. Affected: yes.

NM_006593.4(TBR1):c.1190+1G>A

Gene: TBR1 (T-box brain transcription factor 1; plus strand). Cytogenetic location: 2q24.2.
Variant type: single nucleotide variant.
Coding change: c.1190+1G>A on transcript NM_006593.4 (MANE Select); the canonical splice donor site of the intron after coding-DNA position 1190, G replaced by A.
Molecular consequence: splice donor variant.
Genome position (GRCh38, 1-based): chr2:161,420,258, G>A. VCF-style: chr2-161420258-G-A. GRCh37 (hg19) VCF-style: chr2-162276769-G-A.
Identifiers: ClinVar variation 986963 (VCV000986963.4), dbSNP rs1684207130, ClinGen allele CA349213177.
Genomic context (GRCh38, chr2:161,420,258, plus strand): 5'-TACACAACTGAAAATAGATCACAACCCTTTTGCAAAAGGATTTCGGGATAATTATGACAC[G>A]TAAGTAACTTTGTATCTTCCTTTTCAAATAGCTGTGGAATTGGGCTTTAGGTCAAAGGTG-3'